The following is an entry in ClinVar:

NM_005045.4(RELN):c.193C>T (p.Pro65Ser)

Gene: RELN (reelin; minus strand). Cytogenetic location: 7q22.1.
Variant type: single nucleotide variant.
Coding change: c.193C>T on transcript NM_005045.4 (MANE Select); coding-DNA position 193, C replaced by T.
Protein change: p.Pro65Ser; replaces proline 65 with serine.
Molecular consequence: missense variant.
Genome position (GRCh38, 1-based): chr7:103,989,164, G>A on the plus strand (C>T on the coding strand, the complement: RELN is on the minus strand). VCF-style: chr7-103989164-G-A. GRCh37 (hg19) VCF-style: chr7-103629611-G-A.
Other names: c.193C>T, p.Pro65Ser (NM_173054.3); short protein forms P65S.
Identifiers: ClinVar variation 841891 (VCV000841891.8), dbSNP rs1797168163, ClinGen allele CA368931275.

ClinVar aggregate classification (germline): Uncertain significance (1 of 4 stars; one submission).

Conditions:
Familial temporal lobe epilepsy 7. Identifiers: Orphanet 101046, MedGen C4225327, MONDO:0014639, OMIM 616436.
Norman-Roberts syndrome (LIS2). Also called: Lissencephaly 2 (Norman-Roberts type). Identifiers: Orphanet 89844, MedGen C0796089, MONDO:0009760, OMIM 257320.

Submission:

Labcorp Genetics (formerly Invitae), Labcorp
Classification: Uncertain significance for Familial temporal lobe epilepsy 7; Norman-Roberts syndrome. Last evaluated: 2024-10-22. Review status: criteria provided, single submitter. Criteria: Invitae Variant Classification Sherloc (09022015). Collection method: clinical testing. Allele origin: germline.
Comment: This sequence change replaces proline, which is neutral and non-polar, with serine, which is neutral and polar, at codon 65 of the RELN protein (p.Pro65Ser). This variant is not present in population databases (gnomAD no frequency). This variant has not been reported in the literature in individuals affected with RELN-related conditions. ClinVar contains an entry for this variant (Variation ID: 841891). Invitae Evidence Modeling of protein sequence and biophysical properties (such as structural, functional, and spatial information, amino acid conservation, physicochemical variation, residue mobility, and thermodynamic stability) has been performed for this missense variant. However, the output from this modeling did not meet the statistical confidence thresholds required to predict the impact of this variant on RELN protein function. In summary, the available evidence is currently insufficient to determine the role of this variant in disease. Therefore, it has been classified as a Variant of Uncertain Significance.